The following is an entry in ClinVar:

NM_020247.5(COQ8A):c.279C>T (p.Phe93=)

Gene: COQ8A (coenzyme Q8A; plus strand). Cytogenetic location: 1q42.13.
Variant type: single nucleotide variant.
Coding change: c.279C>T on transcript NM_020247.5 (MANE Select); coding-DNA position 279, C replaced by T.
Protein change: p.Phe93=; no amino-acid change (phenylalanine 93 retained).
Molecular consequence: synonymous variant.
Genome position (GRCh38, 1-based): chr1:226,965,101, C>T. VCF-style: chr1-226965101-C-T. GRCh37 (hg19) VCF-style: chr1-227152802-C-T.
Other names: c.279C>T (NM_020247.4).
Identifiers: ClinVar variation 1626284 (VCV001626284.10), dbSNP rs753305806, ClinGen allele CA1424978.

ClinVar aggregate classification (germline): Likely benign. Review status: criteria provided, single submitter (1 of 4 stars). 2 submissions from 2 submitters: Likely benign (1). 1 of the submissions does not count toward it. Last evaluated 2026-01-23.

Conditions:
COQ8A-related disorder. Also called: COQ8A-related condition.

Allele frequency attached by ClinVar (database versions not stated): ExAC 0.00003; gnomAD exomes 0.00005 and 0.00007; gnomAD 0.00011 and 0.00012; TOPMed 0.00024.
gnomAD v4.1: 102 of 1,613,918 alleles (0.0063%); highest among the groups gnomAD compares: Admixed American, 0.033%; no homozygotes.

Submissions (2):

Labcorp Genetics (formerly Invitae), Labcorp
Classification: Likely benign. Last evaluated: 2026-01-23. Review status: criteria provided, single submitter. Criteria: Invitae Variant Classification Sherloc (09022015). Collection method: clinical testing. Allele origin: germline.

PreventionGenetics, part of Exact Sciences
Classification: Likely benign for COQ8A-related condition. Last evaluated: 2020-01-20. Review status: no assertion criteria provided. Collection method: clinical testing. Allele origin: germline. Not counted in ClinVar's aggregate classification.
Comment: This variant is classified as likely benign based on ACMG/AMP sequence variant interpretation guidelines (Richards et al. 2015 PMID: 25741868, with internal and published modifications).